The following is an entry in ClinVar:

ClinVar aggregate classification (germline): Uncertain significance (1 of 4 stars; one submission).

Conditions:
Charcot-Marie-Tooth disease axonal type 2O. Also called: CHARCOT-MARIE-TOOTH NEUROPATHY, AXONAL, TYPE 2O; CHARCOT-MARIE-TOOTH DISEASE, AXONAL, AUTOSOMAL DOMINANT, TYPE 2O; Charcot-Marie-Tooth disease, axonal, type 20; Charcot-Marie-Tooth Neuropathy Type 2O. Identifiers: Orphanet 284232, MedGen C3280220, MONDO:0013644, OMIM 614228.

Submission:

Labcorp Genetics (formerly Invitae), Labcorp
Classification: Uncertain significance for Charcot-Marie-Tooth disease axonal type 2O. Last evaluated: 2021-06-24. Review status: criteria provided, single submitter. Criteria: Invitae Variant Classification Sherloc (09022015). Collection method: clinical testing. Allele origin: germline.
Comment: In summary, the available evidence is currently insufficient to determine the role of this variant in disease. Therefore, it has been classified as a Variant of Uncertain Significance. Algorithms developed to predict the effect of sequence changes on RNA splicing suggest that this variant may create or strengthen a splice site, but this prediction has not been confirmed by published transcriptional studies. Advanced modeling of protein sequence and biophysical properties (such as structural, functional, and spatial information, amino acid conservation, physicochemical variation, residue mobility, and thermodynamic stability) performed at Invitae indicates that this missense variant is not expected to disrupt DYNC1H1 protein function. This variant has not been reported in the literature in individuals with DYNC1H1-related conditions. This variant is not present in population databases (ExAC no frequency). This sequence change replaces arginine with glycine at codon 121 of the DYNC1H1 protein (p.Arg121Gly). The arginine residue is moderately conserved and there is a moderate physicochemical difference between arginine and glycine.

NM_001376.5(DYNC1H1):c.361C>G (p.Arg121Gly)

Gene: DYNC1H1 (dynein cytoplasmic 1 heavy chain 1; plus strand). Cytogenetic location: 14q32.31.
Variant type: single nucleotide variant.
Coding change: c.361C>G on transcript NM_001376.5 (MANE Select); coding-DNA position 361, C replaced by G.
Protein change: p.Arg121Gly; replaces arginine 121 with glycine.
Molecular consequence: missense variant.
Genome position (GRCh38, 1-based): chr14:101,979,335, C>G. VCF-style: chr14-101979335-C-G. GRCh37 (hg19) VCF-style: chr14-102445672-C-G.
Other names: short protein forms R121G.
Identifiers: ClinVar variation 1363565 (VCV001363565.8), dbSNP rs2141269354, ClinGen allele CA391007336.
Genomic context (GRCh38, chr14:101,979,335, plus strand): 5'-AGGAGTGTAACTTTTCTAATTTCTTGTTTTATTTTTCTTTTTAGCTTGGCATTCATTAAA[C>G]GTACTCCCGTGATTGATGCAGATAAACCCGTGTCTTCTCAGCTCCGGGTCCTTACACTCA-3'
Protein context (NP_001367.2, residues 111-131): VKSNSLAFIK[Arg121Gly]TPVIDADKPV